The following is an entry in ClinVar:

ClinVar aggregate classification (germline): Benign/Likely benign. Review status: criteria provided, multiple submitters, no conflicts (2 of 4 stars). 5 submissions from 5 submitters: Benign (2); Likely benign (3). Last evaluated 2025-12-15.

Conditions:
Cardiovascular phenotype. Identifiers: MedGen CN230736.
Amyloidosis, hereditary systemic 1 (AMYLD1). Also called: Familial amyloid polyneuropathy; Transthyretin Amyloidosis; AMYLOID CARDIOMYOPATHY; Hereditary oculoleptomeningeal amyloid angiopathy; Familial Transthyretin Amyloidosis; Isolated Cardiac Amyloidosis. Identifiers: Orphanet 85447, Orphanet 85451, MedGen C2751492, MONDO:0971004, OMIM 105210.

Allele frequency attached by ClinVar (database versions not stated): gnomAD below 0.00001 and 0.00005; TOPMed below 0.00001; ExAC 0.00022; gnomAD exomes 0.00026.
gnomAD v4.1: 207 of 1,614,124 alleles (0.013%); highest among the groups gnomAD compares: South Asian, 0.22%; 2 homozygotes.

Submissions (5):

Labcorp Genetics (formerly Invitae), Labcorp
Classification: Benign for Amyloidosis, hereditary systemic 1. Last evaluated: 2025-12-15. Review status: criteria provided, single submitter. Criteria: Invitae Variant Classification Sherloc (09022015). Collection method: clinical testing. Allele origin: germline.

Ambry Genetics
Classification: Likely benign for Cardiovascular phenotype. Last evaluated: 2023-12-10. Review status: criteria provided, single submitter. Criteria: Ambry Variant Classification Scheme 2023. Collection method: clinical testing. Allele origin: germline.

Blueprint Genetics
Classification: Likely benign. Last evaluated: 2023-01-10. Review status: criteria provided, single submitter. Criteria: ACMG Guidelines, 2015. Collection method: clinical testing. Allele origin: germline.

GeneDx
Classification: Likely benign. Last evaluated: 2018-12-21. Review status: criteria provided, single submitter. Criteria: GeneDx Variant Classification Process June 2021. Collection method: clinical testing. Allele origin: germline. Affected: yes.

Women's Health and Genetics/Laboratory Corporation of America, LabCorp
Classification: Benign. Last evaluated: 2018-05-29. Review status: criteria provided, single submitter. Criteria: LabCorp Variant Classification Summary - May 2015. Collection method: clinical testing. Allele origin: germline.
Comment: Variant summary: TTR c.372C>G alters a non-conserved nucleotide resulting in a synonymous change. Several computational tools predict an impact on normal splicing: Three predict the variant creates a cryptic 5' donor site within exon 4. However, these predictions have yet to be confirmed by functional studies. The observed variant frequency within South Asian control individuals in the gnomAD database is approximately 84-folds higher than the estimated maximal expected allele frequency for a pathogenic variant in TTR causing Cardiomyopathy phenotype (2.5e-05), strongly suggesting that the variant is a benign polymorphism found primarily in populations of South Asian origin. To our knowledge, no occurrence of c.372C>G in individuals affected with Cardiomyopathy has been reported. A ClinVar submission from a clinical diagnostic laboratory cites the variant as "likely benign." Based on the evidence outlined above, the variant was classified as benign.

NM_000371.4(TTR):c.372C>G (p.Arg124=)

Gene: TTR (transthyretin; plus strand). Cytogenetic location: 18q12.1.
Variant type: single nucleotide variant.
Coding change: c.372C>G on transcript NM_000371.4 (MANE Select); coding-DNA position 372, C replaced by G.
Protein change: p.Arg124=; no amino-acid change (arginine 124 retained).
Molecular consequence: synonymous variant.
Genome position (GRCh38, 1-based): chr18:31,598,603, C>G. VCF-style: chr18-31598603-C-G. GRCh37 (hg19) VCF-style: chr18-29178566-C-G.
Identifiers: ClinVar variation 517738 (VCV000517738.15), dbSNP rs780119793, ClinGen allele CA8928505.